The following is an entry in ClinVar:

ClinVar aggregate classification (germline): Uncertain significance (1 of 4 stars; one submission).

Conditions:
Glycogen storage disease type III (GSD3). Also called: Cori disease; FORBES DISEASE. Identifiers: Orphanet 366, MedGen C0017922, MONDO:0009291, OMIM 232400.

Allele frequency attached by ClinVar (database versions not stated): gnomAD 0.00001.
gnomAD v4.1: 1 of 1,613,112 alleles (0.000062%); highest among the groups gnomAD compares: African/African-American, 0.0013%; no homozygotes.

Submission:

Labcorp Genetics (formerly Invitae), Labcorp
Classification: Uncertain significance for Glycogen storage disease type III. Last evaluated: 2021-09-02. Review status: criteria provided, single submitter. Criteria: Invitae Variant Classification Sherloc (09022015). Collection method: clinical testing. Allele origin: germline.
Comment: This sequence change replaces glutamic acid with alanine at codon 814 of the AGL protein (p.Glu814Ala). The glutamic acid residue is weakly conserved and there is a moderate physicochemical difference between glutamic acid and alanine. This variant is not present in population databases (ExAC no frequency). This variant has not been reported in the literature in individuals affected with AGL-related conditions. Algorithms developed to predict the effect of missense changes on protein structure and function (SIFT, PolyPhen-2, Align-GVGD) all suggest that this variant is likely to be tolerated. In summary, the available evidence is currently insufficient to determine the role of this variant in disease. Therefore, it has been classified as a Variant of Uncertain Significance.

NM_000642.3(AGL):c.2441A>C (p.Glu814Ala)

Gene: AGL (amylo-alpha-1,6-glucosidase and 4-alpha-glucanotransferase; plus strand). Cytogenetic location: 1p21.2.
Variant type: single nucleotide variant.
Coding change: c.2441A>C on transcript NM_000642.3 (MANE Select); coding-DNA position 2441, A replaced by C.
Protein change: p.Glu814Ala; replaces glutamic acid 814 with alanine.
Molecular consequence: missense variant.
Genome position (GRCh38, 1-based): chr1:99,884,346, A>C. VCF-style: chr1-99884346-A-C. GRCh37 (hg19) VCF-style: chr1-100349902-A-C.
Other names: c.2441A>C, p.Glu814Ala (NM_000644.3, NM_001425325.1, NM_001425326.1 and 2 more transcripts); c.2393A>C, p.Glu798Ala (NM_000646.3); c.2240A>C, p.Glu747Ala (NM_001425327.1); c.2237A>C, p.Glu746Ala (NM_001425328.1, NM_001425329.1); c.2063A>C, p.Glu688Ala (NM_001425332.1); short protein forms E814A, E798A, E688A, E746A, E747A.
Identifiers: ClinVar variation 526605 (VCV000526605.6), dbSNP rs1316494416, ClinGen allele CA341321061.